The following is an entry in ClinVar:

NM_000834.5(GRIN2B):c.3200C>T (p.Thr1067Ile)

Gene: GRIN2B (glutamate ionotropic receptor NMDA type subunit 2B; minus strand). Cytogenetic location: 12p13.1.
Variant type: single nucleotide variant.
Coding change: c.3200C>T on transcript NM_000834.5 (MANE Select); coding-DNA position 3200, C replaced by T.
Protein change: p.Thr1067Ile; replaces threonine 1067 with isoleucine.
Molecular consequence: missense variant.
Genome position (GRCh38, 1-based): chr12:13,564,038, G>A on the plus strand (C>T on the coding strand, the complement: GRIN2B is on the minus strand). VCF-style: chr12-13564038-G-A. GRCh37 (hg19) VCF-style: chr12-13716972-G-A.
Other names: short protein forms T1067I.
Identifiers: ClinVar variation 451291 (VCV000451291.2), dbSNP rs1555102353, ClinGen allele CA383990471.

ClinVar aggregate classification (germline): Uncertain significance (1 of 4 stars; one submission).

Submission:

GeneDx
Classification: Uncertain significance. Last evaluated: 2017-08-09. Review status: criteria provided, single submitter. Criteria: GeneDx Variant Classification (06012015). Collection method: clinical testing. Allele origin: germline. Affected: yes.
Comment: The T1067I variant in the GRIN2B gene has not been reported previously as a pathogenic variant, nor as a benign variant, to our knowledge. This variant is not observed in large population cohorts (Lek et al., 2016; 1000 Genomes Consortium et al., 2015; Exome Variant Server). The T1067I variant is a non-conservative amino acid substitution, which is likely to impact secondary protein structure as these residues differ in polarity, charge, size and/or other properties. In addition, this substitution occurs at a position that is conserved across species. However, in silico analysis is inconsistent in its predictions as to whether or not the variant is damaging to the protein structure/function. We interpret T1067I as a variant of uncertain significance.